The following is an entry in ClinVar:

NM_024422.6(DSC2):c.70-288T>C

Gene: DSC2 (desmocollin 2; minus strand). Cytogenetic location: 18q12.1.
Variant type: single nucleotide variant.
Coding change: c.70-288T>C on transcript NM_024422.6 (MANE Select); 288 bases into the intron before coding-DNA position 70, T replaced by C.
Molecular consequence: intron variant.
Genome position (GRCh38, 1-based): chr18:31,093,931, A>G on the plus strand (T>C on the coding strand, the complement: DSC2 is on the minus strand). VCF-style: chr18-31093931-A-G. GRCh37 (hg19) VCF-style: chr18-28673894-A-G.
Other names: c.70-288T>C (NM_004949.5).
Identifiers: ClinVar variation 671090 (VCV000671090.1), dbSNP rs1790689, ClinGen allele CA297645955.

ClinVar aggregate classification (germline): Benign (1 of 4 stars; one submission).

Allele frequency attached by ClinVar (database versions not stated): 1000 Genomes Project 0.34505; 1000 Genomes Project 30x 0.34510; TOPMed 0.40179; gnomAD 0.40856 and 0.41010.
gnomAD v4.1: 61,939 of 151,352 alleles (41%); highest among the groups gnomAD compares: Non-Finnish European, 49%; 13,328 homozygotes.

Submission:

GeneDx
Classification: Benign. Last evaluated: 2018-06-18. Review status: criteria provided, single submitter. Criteria: GeneDx Variant Classification (06012015). Collection method: clinical testing. Allele origin: germline. Affected: yes.
Comment: This variant is considered likely benign or benign based on one or more of the following criteria: it is a conservative change, it occurs at a poorly conserved position in the protein, it is predicted to be benign by multiple in silico algorithms, and/or has population frequency not consistent with disease.